The following is an entry in ClinVar:

NM_000214.3(JAG1):c.766G>T (p.Gly256Cys)

Gene: JAG1 (jagged canonical Notch ligand 1; minus strand). Cytogenetic location: 20p12.2.
Variant type: single nucleotide variant.
Coding change: c.766G>T on transcript NM_000214.3 (MANE Select); coding-DNA position 766, G replaced by T.
Protein change: p.Gly256Cys; replaces glycine 256 with cysteine.
Molecular consequence: missense variant.
Genome position (GRCh38, 1-based): chr20:10,652,588, C>A on the plus strand (G>T on the coding strand, the complement: JAG1 is on the minus strand). VCF-style: chr20-10652588-C-A. GRCh37 (hg19) VCF-style: chr20-10633236-C-A.
Other names: short protein forms G256C.
Identifiers: ClinVar variation 3573092 (VCV003573092.2).

Conditions:
Arteriohepatic dysplasia. Also called: Alagille Syndrome. Identifiers: Orphanet 52, MedGen C0085280, MeSH D016738, MONDO:0007318.

Submission:

Gilbert/Spinner Lab, Children's Hospital of Philadelphia
No classification provided (evidence only). Condition: Alagille syndrome. Review status: no classification provided. Collection method: research. Allele origin: not applicable. Functional consequence: functionally_abnormal.
ClinVar note: "not provided" was previously submitted as the classification for the variant. However, the classification appeared to be based only on an observation of functional data so it was converted to no classification on 2025-07-30.